The following is an entry in ClinVar:

ClinVar aggregate classification (germline): Benign/Likely benign. Review status: criteria provided, multiple submitters, no conflicts (2 of 4 stars). 4 submissions from 4 submitters: Benign (1); Likely benign (3). Last evaluated 2025-01-21.

Conditions:
Hereditary cancer-predisposing syndrome. Also called: Tumor predisposition; Hereditary Cancer Syndrome; Neoplastic Syndromes, Hereditary; Hereditary neoplastic syndrome. Identifiers: Orphanet 140162, MedGen C0027672, MeSH D009386, MONDO:0015356.
Familial cancer of breast. Also called: BREAST CANCER, FAMILIAL; Hereditary breast cancer; hereditary breast carcinoma. Identifiers: Orphanet 227535, MedGen C0346153, MONDO:0016419, OMIM 114480. Disease mechanism: loss of function.

gnomAD v4.1: 3 of 1,612,172 alleles (0.00019%); highest among the groups gnomAD compares: East Asian, 0.0022%; no homozygotes.

Submissions (4):

Myriad Genetics, Inc.
Classification: Benign for Familial cancer of breast. Last evaluated: 2025-01-21. Review status: criteria provided, single submitter. Criteria: Myriad Autosomal Dominant, Autosomal Recessive and X-Linked Classification Criteria (2023). Collection method: clinical testing. Allele origin: unknown.
Comment: This variant is considered benign. This variant is a silent/synonymous amino acid change and it is not expected to impact splicing.

Labcorp Genetics (formerly Invitae), Labcorp
Classification: Likely benign for Familial cancer of breast. Last evaluated: 2024-10-31. Review status: criteria provided, single submitter. Criteria: Invitae Variant Classification Sherloc (09022015). Collection method: clinical testing. Allele origin: germline.

Ambry Genetics
Classification: Likely benign for Hereditary cancer-predisposing syndrome. Last evaluated: 2019-09-18. Review status: criteria provided, single submitter. Criteria: Ambry Variant Classification Scheme 2023. Collection method: clinical testing. Allele origin: germline.

Color Diagnostics, LLC DBA Color Health
Classification: Likely benign for Hereditary cancer-predisposing syndrome. Last evaluated: 2017-01-12. Review status: criteria provided, single submitter. Criteria: ACMG Guidelines, 2015. Collection method: clinical testing. Allele origin: germline.

NM_024675.4(PALB2):c.3132A>G (p.Gln1044=)

Gene: PALB2 (partner and localizer of BRCA2; minus strand). Cytogenetic location: 16p12.2.
Variant type: single nucleotide variant.
Coding change: c.3132A>G on transcript NM_024675.4 (MANE Select); coding-DNA position 3132, A replaced by G.
Protein change: p.Gln1044=; no amino-acid change (glutamine 1044 retained).
Molecular consequence: synonymous variant.
Genome position (GRCh38, 1-based): chr16:23,614,073, T>C on the plus strand (A>G on the coding strand, the complement: PALB2 is on the minus strand). VCF-style: chr16-23614073-T-C. GRCh37 (hg19) VCF-style: chr16-23625394-T-C.
Identifiers: ClinVar variation 822962 (VCV000822962.16), dbSNP rs587780216, ClinGen allele CA494177736.
Genomic context (GRCh38, chr16:23,614,073, plus strand): 5'-ATAGGCTTTGTGACAGACTGAAGCTTGGTAAGAATCATCAATGTGCATCTTTTTCAGGAG[T>C]TGACCAGTTTTTAAATTCCTTAGATAACAAAAATAAATAAGCTGATCACATTCTTCCAAC-3'
Protein context (NP_078951.2, residues 1034-1054): NIVIWNLKTG[Gln1044=]LLKKMHIDDS